The following is an entry in ClinVar:

NM_001256012.3(MYH10):c.4544A>G (p.Lys1515Arg)

Gene: MYH10 (myosin heavy chain 10; minus strand). Cytogenetic location: 17p13.1.
Variant type: single nucleotide variant.
Coding change: c.4544A>G on transcript NM_001256012.3 (MANE Select); coding-DNA position 4544, A replaced by G.
Protein change: p.Lys1515Arg; replaces lysine 1515 with arginine.
Molecular consequence: missense variant.
Genome position (GRCh38, 1-based): chr17:8,492,424, T>C on the plus strand (A>G on the coding strand, the complement: MYH10 is on the minus strand). VCF-style: chr17-8492424-T-C. GRCh37 (hg19) VCF-style: chr17-8395742-T-C.
Other names: c.4478A>G, p.Lys1493Arg (NM_001256095.2); c.4481A>G, p.Lys1494Arg (NM_001375266.1); c.4451A>G, p.Lys1484Arg (NM_005964.5); short protein forms K1484R, K1493R, K1494R, K1515R.
Identifiers: ClinVar variation 3371119 (VCV003371119.1).

ClinVar aggregate classification (germline): Uncertain significance (1 of 4 stars; one submission).

Submission:

GeneDx
Classification: Uncertain significance. Last evaluated: 2024-03-17. Review status: criteria provided, single submitter. Criteria: GeneDx Variant Classification Process June 2021. Collection method: clinical testing. Allele origin: germline. Affected: yes.
Comment: Not observed at significant frequency in large population cohorts (gnomAD); In silico analysis supports that this missense variant does not alter protein structure/function; Has not been previously published as pathogenic or benign to our knowledge